The following is an entry in ClinVar:

ClinVar aggregate classification (germline): Uncertain significance (1 of 4 stars; one submission).

Conditions:
Inflammatory bowel disease 25. Also called: Inflammatory bowel disease 25, early onset, autosomal recessive. Identifiers: Orphanet 238569, MedGen C2675508, MONDO:0012941, OMIM 612567.

Allele frequency attached by ClinVar (database versions not stated): gnomAD 0.00001; gnomAD exomes 0.00001.
gnomAD v4.1: 11 of 1,613,316 alleles (0.00068%); highest among the groups gnomAD compares: Non-Finnish European, 0.00093%; no homozygotes.

Submission:

Labcorp Genetics (formerly Invitae), Labcorp
Classification: Uncertain significance for Inflammatory bowel disease 25. Last evaluated: 2022-07-01. Review status: criteria provided, single submitter. Criteria: Invitae Variant Classification Sherloc (09022015). Collection method: clinical testing. Allele origin: germline.
Comment: This sequence change replaces proline, which is neutral and non-polar, with threonine, which is neutral and polar, at codon 115 of the IL10RB protein (p.Pro115Thr). This variant is present in population databases (no rsID available, gnomAD 0.007%). This variant has not been reported in the literature in individuals affected with IL10RB-related conditions. Algorithms developed to predict the effect of missense changes on protein structure and function are either unavailable or do not agree on the potential impact of this missense change (SIFT: "Deleterious"; PolyPhen-2: "Probably Damaging"; Align-GVGD: "Class C0"). In summary, the available evidence is currently insufficient to determine the role of this variant in disease. Therefore, it has been classified as a Variant of Uncertain Significance.

NM_000628.5(IL10RB):c.343C>A (p.Pro115Thr)

Genes: IL10RB (interleukin 10 receptor subunit beta; plus strand), IFNAR2-IL10RB (IFNAR2-IL10RB readthrough; plus strand). Cytogenetic location: 21q22.11.
Variant type: single nucleotide variant.
Coding change: c.343C>A on transcript NM_000628.5 (MANE Select); coding-DNA position 343, C replaced by A.
Protein change: p.Pro115Thr; replaces proline 115 with threonine.
Molecular consequence: missense variant. On other transcripts: non-coding transcript variant (1).
Genome position (GRCh38, 1-based): chr21:33,279,763, C>A. VCF-style: chr21-33279763-C-A. GRCh37 (hg19) VCF-style: chr21-34652068-C-A.
Other names: c.1003C>A, p.Pro335Thr (NM_001414505.1); c.343C>A, p.Pro115Thr (NM_001405849.1, NM_001405850.1, NM_001406840.1); short protein forms P115T, P335T.
Identifiers: ClinVar variation 1937965 (VCV001937965.2), dbSNP rs926873545, ClinGen allele CA320147338.